The following is an entry in ClinVar:

NM_001194998.2(CEP152):c.1783-30T>C

Gene: CEP152 (centrosomal protein 152; minus strand). Cytogenetic location: 15q21.1.
Variant type: single nucleotide variant.
Coding change: c.1783-30T>C on transcript NM_001194998.2 (MANE Select); 30 bases into the intron before coding-DNA position 1783, T replaced by C.
Molecular consequence: intron variant.
Genome position (GRCh38, 1-based): chr15:48,769,111, A>G on the plus strand (T>C on the coding strand, the complement: CEP152 is on the minus strand). VCF-style: chr15-48769111-A-G. GRCh37 (hg19) VCF-style: chr15-49061308-A-G.
Other names: c.1783-30T>C (NM_014985.4).
Identifiers: ClinVar variation 158233 (VCV000158233.6), dbSNP rs74012146, ClinGen allele CA171706.
Genomic context (GRCh38, chr15:48,769,111, plus strand): 5'-TCTTTGGTTTTTCTGAGGTATCTGTTTTAGTCTGAATATTAAAAGGTCAAAAGTTTTACA[A>G]GTTTTAAAAAATTCTAAGTTTCACTTTGAAATACTTCCATACTTTAAAAAAATTGCAAAC-3'

ClinVar aggregate classification (germline): Likely benign (0 of 4 stars; one submission).

Allele frequency attached by ClinVar (database versions not stated): gnomAD exomes 0.00133; ExAC 0.00164; ESP Exome Variant Server 0.00430; gnomAD 0.00510; TOPMed 0.00589; 1000 Genomes Project 0.00799; 1000 Genomes Project 30x 0.00843.
gnomAD v4.1: 1,479 of 1,567,366 alleles (0.094%); highest among the groups gnomAD compares: African/African-American, 1.8%; 16 homozygotes.

Submission:

Genetic Services Laboratory, University of Chicago
Classification: Likely benign. Review status: no assertion criteria provided. Collection method: clinical testing. Allele origin: germline. Inheritance: Autosomal recessive inheritance.
Comment: Likely benign based on allele frequency in 1000 Genomes Project or ESP global frequency and its presence in a patient with a rare or unrelated disease phenotype. NOT Sanger confirmed